The following is an entry in ClinVar:

NM_001205293.3(CACNA1E):c.6272A>G (p.His2091Arg)

Gene: CACNA1E (calcium voltage-gated channel subunit alpha1 E; plus strand). Cytogenetic location: 1q25.3.
Variant type: single nucleotide variant.
Coding change: c.6272A>G on transcript NM_001205293.3 (MANE Select); coding-DNA position 6272, A replaced by G.
Protein change: p.His2091Arg; replaces histidine 2091 with arginine.
Molecular consequence: missense variant.
Genome position (GRCh38, 1-based): chr1:181,796,731, A>G. VCF-style: chr1-181796731-A-G. GRCh37 (hg19) VCF-style: chr1-181765867-A-G.
Other names: c.6143A>G, p.His2048Arg (NM_000721.4); c.6086A>G, p.His2029Arg (NM_001205294.2); short protein forms H2048R, H2091R, H2029R.
Identifiers: ClinVar variation 452475 (VCV000452475.7), dbSNP rs1553361072, ClinGen allele CA343633324.
Genomic context (GRCh38, chr1:181,796,731, plus strand): 5'-ACAAGTCTGACACTCACCGCTCAGGGGGCAGGGAGCGGGGACGATCAAAAGAGCGAAAGC[A>G]TCTTCTCTCTCCTGATGTCTCCCGCTGCAATTCAGAAGAGCGAGGGACCCAGGCTGACTG-3'
Protein context (NP_001192222.1, residues 2081-2101): RERGRSKERK[His2091Arg]LLSPDVSRCN

ClinVar aggregate classification (germline): Uncertain significance. Review status: criteria provided, multiple submitters, no conflicts (2 of 4 stars). 3 submissions from 3 submitters: Uncertain significance (3). Last evaluated 2024-10-24.

Conditions:
Developmental and epileptic encephalopathy, 69. Also called: EPILEPTIC ENCEPHALOPATHY, EARLY INFANTILE, 69. Identifiers: MedGen C4748988, MONDO:0032657, OMIM 618285.

gnomAD v4.1: 1 of 1,613,326 alleles (0.000062%); highest among the groups gnomAD compares: Non-Finnish European, 0.000085%; no homozygotes.

Submissions (3):

Labcorp Genetics (formerly Invitae), Labcorp
Classification: Uncertain significance. Last evaluated: 2024-10-24. Review status: criteria provided, single submitter. Criteria: Invitae Variant Classification Sherloc (09022015). Collection method: clinical testing. Allele origin: germline.
Comment: This sequence change replaces histidine, which is basic and polar, with arginine, which is basic and polar, at codon 2048 of the CACNA1E protein (p.His2048Arg). This variant is not present in population databases (gnomAD no frequency). This variant has not been reported in the literature in individuals affected with CACNA1E-related conditions. ClinVar contains an entry for this variant (Variation ID: 452475). Invitae Evidence Modeling of protein sequence and biophysical properties (such as structural, functional, and spatial information, amino acid conservation, physicochemical variation, residue mobility, and thermodynamic stability) has been performed for this missense variant. However, the output from this modeling did not meet the statistical confidence thresholds required to predict the impact of this variant on CACNA1E protein function. In summary, the available evidence is currently insufficient to determine the role of this variant in disease. Therefore, it has been classified as a Variant of Uncertain Significance.

Genome-Nilou Lab
Classification: Uncertain significance for Developmental and epileptic encephalopathy, 69. Last evaluated: 2023-04-11. Review status: criteria provided, single submitter. Criteria: ACMG Guidelines, 2015. Collection method: clinical testing. Allele origin: germline. Affected: no.

GeneDx
Classification: Uncertain significance. Last evaluated: 2017-10-12. Review status: criteria provided, single submitter. Criteria: GeneDx Variant Classification (06012015). Collection method: clinical testing. Allele origin: germline. Affected: yes.
Comment: The H2048R variant in the CACNA1E gene has not been reported previously as a pathogenic variant, nor as a benign variant, to our knowledge. The H2048R variant is not observed in large population cohorts (Lek et al., 2016). The H2048R variant is a conservative amino acid substitution, which is not likely to impact secondary protein structure as these residues share similar properties. However, this substitution occurs at a position that is conserved across species, and in silico analysis predicts this variant is probably damaging to the protein structure/function. We interpret H2048R as a variant of uncertain significance.